The following is an entry in ClinVar:

NM_024675.4(PALB2):c.1490A>C (p.Asn497Thr)

Gene: PALB2 (partner and localizer of BRCA2; minus strand). Cytogenetic location: 16p12.2.
Variant type: single nucleotide variant.
Coding change: c.1490A>C on transcript NM_024675.4 (MANE Select); coding-DNA position 1490, A replaced by C.
Protein change: p.Asn497Thr; replaces asparagine 497 with threonine.
Molecular consequence: missense variant.
Genome position (GRCh38, 1-based): chr16:23,635,056, T>G on the plus strand (A>C on the coding strand, the complement: PALB2 is on the minus strand). VCF-style: chr16-23635056-T-G. GRCh37 (hg19) VCF-style: chr16-23646377-T-G.
Other names: short protein forms N497T.
Identifiers: ClinVar variation 923299 (VCV000923299.7), dbSNP rs1966962812, ClinGen allele CA395131098.

ClinVar aggregate classification (germline): Uncertain significance. Review status: criteria provided, multiple submitters, no conflicts (2 of 4 stars). 3 submissions from 3 submitters: Uncertain significance (3). Last evaluated 2026-04-28.

Conditions:
Hereditary cancer-predisposing syndrome. Also called: Hereditary Cancer Syndrome; Neoplastic Syndromes, Hereditary; Tumor predisposition; Hereditary neoplastic syndrome. Identifiers: Orphanet 140162, MedGen C0027672, MeSH D009386, MONDO:0015356.
Familial cancer of breast. Also called: BREAST CANCER, FAMILIAL; Hereditary breast cancer; hereditary breast carcinoma. Identifiers: Orphanet 227535, MedGen C0346153, MONDO:0016419, OMIM 114480. Disease mechanism: loss of function.

Submissions (3):

Ambry Genetics
Classification: Uncertain significance for Hereditary cancer-predisposing syndrome. Last evaluated: 2026-04-28. Review status: criteria provided, single submitter. Criteria: Ambry Variant Classification Scheme 2023. Collection method: clinical testing. Allele origin: germline.
Comment: The p.N497T variant (also known as c.1490A>C), located in coding exon 4 of the PALB2 gene, results from an A to C substitution at nucleotide position 1490. The asparagine at codon 497 is replaced by threonine, an amino acid with similar properties. This amino acid position is conserved. In addition, this alteration is predicted to be tolerated by in silico analysis. Based on the available evidence, the clinical significance of this variant remains unclear.

Labcorp Genetics (formerly Invitae), Labcorp
Classification: Uncertain significance for Familial cancer of breast. Last evaluated: 2024-08-11. Review status: criteria provided, single submitter. Criteria: Invitae Variant Classification Sherloc (09022015). Collection method: clinical testing. Allele origin: germline.
Comment: This sequence change replaces asparagine, which is neutral and polar, with threonine, which is neutral and polar, at codon 497 of the PALB2 protein (p.Asn497Thr). This variant is not present in population databases (gnomAD no frequency). This variant has not been reported in the literature in individuals affected with PALB2-related conditions. ClinVar contains an entry for this variant (Variation ID: 923299). Advanced modeling of protein sequence and biophysical properties (such as structural, functional, and spatial information, amino acid conservation, physicochemical variation, residue mobility, and thermodynamic stability) performed at Invitae indicates that this missense variant is not expected to disrupt PALB2 protein function with a negative predictive value of 80%. In summary, the available evidence is currently insufficient to determine the role of this variant in disease. Therefore, it has been classified as a Variant of Uncertain Significance.

Color Diagnostics, LLC DBA Color Health
Classification: Uncertain significance for Hereditary cancer-predisposing syndrome. Last evaluated: 2023-12-05. Review status: criteria provided, single submitter. Criteria: ACMG Guidelines, 2015. Collection method: clinical testing. Allele origin: germline.
Comment: This missense variant replaces asparagine with threonine at codon 497 of the PALB2 protein. Computational prediction suggests that this variant may not impact protein structure and function (internally defined REVEL score threshold <= 0.5, PMID: 27666373). To our knowledge, functional studies have not been reported for this variant. This variant has not been reported in individuals affected with PALB2-related disorders in the literature. This variant has not been identified in the general population by the Genome Aggregation Database (gnomAD). The available evidence is insufficient to determine the role of this variant in disease conclusively. Therefore, this variant is classified as a Variant of Uncertain Significance.